The following is an entry in ClinVar:

NM_005430.4(WNT1):c.975C>T (p.Cys325=)

Gene: WNT1 (Wnt family member 1; plus strand). Cytogenetic location: 12q13.12.
Variant type: single nucleotide variant.
Coding change: c.975C>T on transcript NM_005430.4 (MANE Select); coding-DNA position 975, C replaced by T.
Protein change: p.Cys325=; no amino-acid change (cysteine 325 retained).
Molecular consequence: synonymous variant.
Genome position (GRCh38, 1-based): chr12:48,981,502, C>T. VCF-style: chr12-48981502-C-T. GRCh37 (hg19) VCF-style: chr12-49375285-C-T.
Other names: c.975C>T (NM_005430.3).
Identifiers: ClinVar variation 1584858 (VCV001584858.23), dbSNP rs751568269, ClinGen allele CA6544494.

ClinVar aggregate classification (germline): Likely benign. Review status: criteria provided, multiple submitters, no conflicts (2 of 4 stars). 4 submissions from 4 submitters: Likely benign (4). Last evaluated 2025-12-14.

Conditions:
WNT1-related disorder. Also called: WNT1-related condition.

Allele frequency attached by ClinVar (database versions not stated): TOPMed 0.00026; gnomAD 0.00031 and 0.00032; gnomAD exomes 0.00032; ExAC 0.00037.
gnomAD v4.1: 395 of 1,550,084 alleles (0.025%); highest among the groups gnomAD compares: Non-Finnish European, 0.031%; 2 homozygotes.

Submissions (4):

Labcorp Genetics (formerly Invitae), Labcorp
Classification: Likely benign. Last evaluated: 2025-12-14. Review status: criteria provided, single submitter. Criteria: Invitae Variant Classification Sherloc (09022015). Collection method: clinical testing. Allele origin: germline.

PreventionGenetics, part of Exact Sciences
Classification: Likely benign for WNT1-related condition. Last evaluated: 2025-09-15. Review status: criteria provided, single submitter. Criteria: ACMG Guidelines, 2015. Collection method: clinical testing. Allele origin: germline.
Comment: This variant is classified as likely benign based on ACMG/AMP sequence variant interpretation guidelines (Richards et al. 2015 PMID: 25741868, with internal and published modifications).

CeGaT Center for Human Genetics Tuebingen
Classification: Likely benign. Last evaluated: 2025-09-01. Review status: criteria provided, single submitter. Criteria: CeGaT Center For Human Genetics Tuebingen Variant Classification Criteria Version 2. Collection method: clinical testing. Allele origin: germline. Affected: yes. Observed: 2 variant alleles.
Comment: WNT1: BP4, BP7

Blueprint Genetics
Classification: Likely benign. Last evaluated: 2024-11-19. Review status: criteria provided, single submitter. Criteria: ACMG Guidelines, 2015. Collection method: clinical testing. Allele origin: germline.